The following is an entry in ClinVar:

NM_006580.4(CLDN16):c.415G>A (p.Ala139Thr)

Gene: CLDN16 (claudin 16; plus strand). Cytogenetic location: 3q28.
Variant type: single nucleotide variant.
Coding change: c.415G>A on transcript NM_006580.4 (MANE Select); coding-DNA position 415, G replaced by A.
Protein change: p.Ala139Thr; replaces alanine 139 with threonine.
Molecular consequence: missense variant.
Genome position (GRCh38, 1-based): chr3:190,408,346, G>A. VCF-style: chr3-190408346-G-A. GRCh37 (hg19) VCF-style: chr3-190126135-G-A.
Other names: c.415G>A, p.Ala139Thr (NM_001378492.1, NM_001378493.1); short protein forms A139T.
Identifiers: ClinVar variation 1464906 (VCV001464906.8), dbSNP rs1270704258, ClinGen allele CA355766978.

ClinVar aggregate classification (germline): Likely pathogenic (1 of 4 stars; one submission).

Allele frequency attached by ClinVar (database versions not stated): gnomAD exomes below 0.00001; TOPMed below 0.00001.
gnomAD v4.1: 3 of 1,614,098 alleles (0.00019%); highest among the groups gnomAD compares: Non-Finnish European, 0.00025%; no homozygotes.

Submission:

Labcorp Genetics (formerly Invitae), Labcorp
Classification: Likely pathogenic. Last evaluated: 2025-10-04. Review status: criteria provided, single submitter. Criteria: Invitae Variant Classification Sherloc (09022015). Collection method: clinical testing. Allele origin: germline.
Comment: This sequence change replaces alanine, which is neutral and non-polar, with threonine, which is neutral and polar, at codon 209 of the CLDN16 protein (p.Ala209Thr). This variant is not present in population databases (gnomAD no frequency). This missense change has been observed in individual(s) with familial hypomagnesemia with hypercalciuria and nephrocalcinosis (PMID: 11518780, 18003771). In at least one individual the data is consistent with being in trans (on the opposite chromosome) from a pathogenic variant. ClinVar contains an entry for this variant (Variation ID: 1464906). Invitae Evidence Modeling of protein sequence and biophysical properties (such as structural, functional, and spatial information, amino acid conservation, physicochemical variation, residue mobility, and thermodynamic stability) has been performed for this missense variant. However, the output from this modeling did not meet the statistical confidence thresholds required to predict the impact of this variant on CLDN16 protein function. Experimental studies have shown that this missense change affects CLDN16 function (PMID: 16234325, 18188451). In summary, the currently available evidence indicates that the variant is pathogenic, but additional data are needed to prove that conclusively. Therefore, this variant has been classified as Likely Pathogenic.

Literature cited by the submitters: PubMed 11518780; PubMed 18003771; PubMed 16234325; PubMed 18188451.